The following is an entry in ClinVar:

NM_001854.4(COL11A1):c.1642T>A (p.Ser548Thr)

Gene: COL11A1 (collagen type XI alpha 1 chain; minus strand). Cytogenetic location: 1p21.1.
Variant type: single nucleotide variant.
Coding change: c.1642T>A on transcript NM_001854.4 (MANE Select); coding-DNA position 1642, T replaced by A.
Protein change: p.Ser548Thr; replaces serine 548 with threonine.
Molecular consequence: missense variant. On other transcripts: non-coding transcript variant (1).
Genome position (GRCh38, 1-based): chr1:103,008,504, A>T on the plus strand (T>A on the coding strand, the complement: COL11A1 is on the minus strand). VCF-style: chr1-103008504-A-T. GRCh37 (hg19) VCF-style: chr1-103474060-A-T.
Other names: c.1294T>A, p.Ser432Thr (NM_001168249.1, NM_080630.4); c.1525T>A, p.Ser509Thr (NM_001190709.2); c.1678T>A, p.Ser560Thr (NM_080629.3); short protein forms S432T, S509T, S548T, S560T.
Identifiers: ClinVar variation 2638952 (VCV002638952.24), dbSNP rs2525433772, ClinGen allele CA341175577.

ClinVar aggregate classification (germline): Uncertain significance (1 of 4 stars; one submission).

Submission:

CeGaT Center for Human Genetics Tuebingen
Classification: Uncertain significance. Last evaluated: 2023-08-01. Review status: criteria provided, single submitter. Criteria: CeGaT Center For Human Genetics Tuebingen Variant Classification Criteria Version 2. Collection method: clinical testing. Allele origin: germline. Affected: yes. Observed: 1 variant allele.
Comment: COL11A1: PM2